The following is an entry in ClinVar:

NM_001085411.3(NADK2):c.531A>G (p.Pro177=)

Gene: NADK2 (NAD kinase 2, mitochondrial; minus strand). Cytogenetic location: 5p13.2.
Variant type: single nucleotide variant.
Coding change: c.531A>G on transcript NM_001085411.3 (MANE Select); coding-DNA position 531, A replaced by G.
Protein change: p.Pro177=; no amino-acid change (proline 177 retained).
Molecular consequence: synonymous variant.
Genome position (GRCh38, 1-based): chr5:36,225,571, T>C on the plus strand (A>G on the coding strand, the complement: NADK2 is on the minus strand). VCF-style: chr5-36225571-T-C. GRCh37 (hg19) VCF-style: chr5-36225673-T-C.
Other names: c.42A>G, p.Pro14= (NM_001287340.2, NM_001287341.2, NM_153013.5).
Identifiers: ClinVar variation 513485 (VCV000513485.9), dbSNP rs139613889, ClinGen allele CA3234706.
Genomic context (GRCh38, chr5:36,225,571, plus strand): 5'-AATCAAACAAAATGTATACGTTCTTTCTTACCGTTCTGGATCAGTGTTTACCCCTATAAC[T>C]GGTTTAAGTCTGTCCAAGACTTTACTCGCTGCCAGCAGCATTGTGCCATCACCTAAGGAA-3'
Protein context (NP_001078880.1, residues 167-187): AASKVLDRLK[Pro177=]VIGVNTDPER

ClinVar aggregate classification (germline): Likely benign. Review status: criteria provided, multiple submitters, no conflicts (2 of 4 stars). 2 submissions from 2 submitters: Likely benign (2). Last evaluated 2025-04-17.

Conditions:
Progressive encephalopathy with leukodystrophy due to DECR deficiency. Identifiers: Orphanet 431361, MedGen C1857252, MONDO:0014464, OMIM 616034.

Allele frequency attached by ClinVar (database versions not stated): gnomAD exomes 0.00003 and 0.00008; ExAC 0.00012; ESP Exome Variant Server 0.00023; TOPMed 0.00023; gnomAD 0.00027; 1000 Genomes Project 30x 0.00078; 1000 Genomes Project 0.00080.
gnomAD v4.1: 85 of 1,613,886 alleles (0.0053%); highest among the groups gnomAD compares: African/African-American, 0.089%; no homozygotes.

Submissions (2):

Labcorp Genetics (formerly Invitae), Labcorp
Classification: Likely benign for Progressive encephalopathy with leukodystrophy due to DECR deficiency. Last evaluated: 2025-04-17. Review status: criteria provided, single submitter. Criteria: Invitae Variant Classification Sherloc (09022015). Collection method: clinical testing. Allele origin: germline.

GeneDx
Classification: Likely benign. Last evaluated: 2017-11-30. Review status: criteria provided, single submitter. Criteria: GeneDx Variant Classification (06012015). Collection method: clinical testing. Allele origin: germline. Affected: yes.
Comment: This variant is considered likely benign or benign based on one or more of the following criteria: it is a conservative change, it occurs at a poorly conserved position in the protein, it is predicted to be benign by multiple in silico algorithms, and/or has population frequency not consistent with disease.